The following is an entry in ClinVar:

NM_001267550.2(TTN):c.56978dup (p.Phe18994fs)

Genes: TTN (titin; minus strand), TTN-AS1 (TTN antisense RNA 1; plus strand). Cytogenetic location: 2q31.2.
Variant type: Duplication.
Coding change: c.56978dup on transcript NM_001267550.2 (MANE Select); coding-DNA position 56978, one base duplicated (C; older notation c.56978dupC).
Protein change: p.Phe18994fs; shifts the reading frame from phenylalanine 18994.
Molecular consequence: frameshift variant. On other transcripts: non-coding transcript variant (1).
Genome position (GRCh38, 1-based): chr2:178,598,639, G duplicated on the plus strand (C on the coding strand, the reverse complement: TTN is on the minus strand); the first of 2 consecutive G bases (chr2:178,598,639-178,598,640); duplicating either gives the same sequence. VCF-style (leftmost placement, unchanged base first): chr2-178598638-T-TG. GRCh37 (hg19) VCF-style: chr2-179463365-T-TG.
Other names: c.52055dup, p.Phe17353fs (NM_001256850.1); c.29783dup, p.Phe9929fs (NM_003319.4); c.49274dup, p.Phe16426fs (NM_133378.4); c.30158dup, p.Phe10054fs (NM_133432.3); c.30359dup, p.Phe10121fs (NM_133437.4); c.29783dupC (NM_003319.4); short protein forms F17353fs, F9929fs, F10121fs, F16426fs, F10054fs, F18994fs.
Identifiers: ClinVar variation 1798342 (VCV001798342.2), dbSNP rs2469852440, ClinGen allele CA2580064839.

ClinVar aggregate classification (germline): Likely pathogenic (1 of 4 stars; one submission).

Conditions:
Cardiovascular phenotype. Identifiers: MedGen CN230736.

Submission:

Ambry Genetics
Classification: Likely pathogenic for Cardiovascular phenotype. Last evaluated: 2020-09-02. Review status: criteria provided, single submitter. Criteria: Ambry Variant Classification Scheme 2023. Collection method: clinical testing. Allele origin: germline.
Comment: The c.29783dupC variant, located in coding exon 119 of the TTN gene, results from a duplication of C at nucleotide position 29783, causing a translational frameshift with a predicted alternate stop codon (p.F9929Ifs*9). This exon is located in the A-band region of the N2-B isoform of the titin protein and is constitutively expressed in TTN transcripts (percent spliced in or PSI 100%). This variant was not reported in population-based cohorts in the Genome Aggregation Database (gnomAD). In addition, this alteration is expected to result in loss of function by premature protein truncation or nonsense-mediated mRNA decay. While truncating variants in TTN are present in 1-3% of the general population, truncating variants in the A-band are the most common cause of dilated cardiomyopathy (DCM) (Herman DS et al. N. Engl. J. Med., 2012 Feb;366:619-28; Roberts AM et al. Sci Transl Med, 2015 Jan;7:270ra6). TTN truncating variants encoded in constitutive exons (PSI >90%) have been found to be significantly associated with DCM regardless of their position in titin (Schafer S et al. Nat. Genet., 2017 01;49:46-53). As such, this alteration is classified as likely pathogenic.